The following is an entry in ClinVar:

NM_001308093.3(GATA4):c.1094T>C (p.Ile365Thr)

Gene: GATA4 (GATA binding protein 4). Cytogenetic location: 8p23.1.
Variant type: single nucleotide variant.
Coding change: c.1094T>C on transcript NM_001308093.3 (MANE Select); coding-DNA position 1094, T replaced by C.
Protein change: p.Ile365Thr; replaces isoleucine 365 with threonine.
Molecular consequence: missense variant.
Genome position (GRCh38, 1-based): chr8:11,757,028, T>C. VCF-style: chr8-11757028-T-C. GRCh37 (hg19) VCF-style: chr8-11614537-T-C.
Other names: c.473T>C, p.Ile158Thr (NM_001308094.2, NM_001374273.1); c.347T>C, p.Ile116Thr (NM_001374274.1); c.1091T>C, p.Ile364Thr (NM_002052.5); short protein forms I116T, I365T, I364T, I158T.
Identifiers: ClinVar variation 3721161 (VCV003721161.2).

ClinVar aggregate classification (germline): Uncertain significance (1 of 4 stars; one submission).

Conditions:
Atrioventricular septal defect 4 (AVSD4). Identifiers: MedGen C3280781, MONDO:0013747, OMIM 614430.

Submission:

Labcorp Genetics (formerly Invitae), Labcorp
Classification: Uncertain significance for Atrioventricular septal defect 4. Last evaluated: 2025-07-06. Review status: criteria provided, single submitter. Criteria: Invitae Variant Classification Sherloc (09022015). Collection method: clinical testing. Allele origin: germline.
Comment: This sequence change replaces isoleucine, which is neutral and non-polar, with threonine, which is neutral and polar, at codon 364 of the GATA4 protein (p.Ile364Thr). This variant is not present in population databases (gnomAD no frequency). This variant has not been reported in the literature in individuals affected with GATA4-related conditions. ClinVar contains an entry for this variant (Variation ID: 3721161). Invitae Evidence Modeling of protein sequence and biophysical properties (such as structural, functional, and spatial information, amino acid conservation, physicochemical variation, residue mobility, and thermodynamic stability) indicates that this missense variant is not expected to disrupt GATA4 protein function with a negative predictive value of 95%. In summary, the available evidence is currently insufficient to determine the role of this variant in disease. Therefore, it has been classified as a Variant of Uncertain Significance.